The following is an entry in ClinVar:

ClinVar aggregate classification (germline): Uncertain significance (1 of 4 stars; one submission).

Conditions:
Hereditary nonpolyposis colorectal neoplasms. Identifiers: MedGen C0009405, MeSH D003123.

Submission:

Labcorp Genetics (formerly Invitae), Labcorp
Classification: Uncertain significance for Hereditary nonpolyposis colorectal neoplasms. Last evaluated: 2024-05-08. Review status: criteria provided, single submitter. Criteria: Invitae Variant Classification Sherloc (09022015). Collection method: clinical testing. Allele origin: germline.
Comment: This sequence change replaces tryptophan, which is neutral and slightly polar, with arginine, which is basic and polar, at codon 777 of the MSH6 protein (p.Trp777Arg). This variant is not present in population databases (gnomAD no frequency). This variant has not been reported in the literature in individuals affected with MSH6-related conditions. Advanced modeling of protein sequence and biophysical properties (such as structural, functional, and spatial information, amino acid conservation, physicochemical variation, residue mobility, and thermodynamic stability) performed at Invitae indicates that this missense variant is expected to disrupt MSH6 protein function with a positive predictive value of 95%. In summary, the available evidence is currently insufficient to determine the role of this variant in disease. Therefore, it has been classified as a Variant of Uncertain Significance.

NM_000179.3(MSH6):c.2329T>C (p.Trp777Arg)

Gene: MSH6 (mutS homolog 6; plus strand). Cytogenetic location: 2p16.3.
Variant type: single nucleotide variant.
Coding change: c.2329T>C on transcript NM_000179.3 (MANE Select); coding-DNA position 2329, T replaced by C.
Protein change: p.Trp777Arg; replaces tryptophan 777 with arginine.
Molecular consequence: missense variant. On other transcripts: non-coding transcript variant (5), intron variant (3).
Genome position (GRCh38, 1-based): chr2:47,800,312, T>C. VCF-style: chr2-47800312-T-C. GRCh37 (hg19) VCF-style: chr2-48027451-T-C.
Other names: c.2032T>C, p.Trp678Arg (NM_001406818.1, NM_001406819.1, NM_001406820.1 and 10 more transcripts); c.1423T>C, p.Trp475Arg (NM_001406823.1, NM_001406829.1, NM_001406811.1 and 6 more transcripts); c.2161T>C, p.Trp721Arg (NM_001406826.1); c.2308+21T>C (NM_001406803.1); c.1606+723T>C (NM_001406817.1); c.628-354T>C (NM_001407362.1); c.1804T>C, p.Trp602Arg (NM_001406807.1, NM_001406799.1, NM_001406806.1); c.2329T>C, p.Trp777Arg (NM_001406808.1, NM_001406809.1, NM_001406796.1 and 2 more transcripts); and 4 more; short protein forms W475R, W678R, W779R, W602R, W647R, W777R, W809R, W751R.
Identifiers: ClinVar variation 3633949 (VCV003633949.2).